The following is an entry in ClinVar:

ClinVar aggregate classification (germline): Uncertain significance (1 of 4 stars; one submission).

Conditions:
Bardet-Biedl syndrome (BBS). Identifiers: Orphanet 110, MedGen C0752166, MONDO:0015229.

Allele frequency attached by ClinVar (database versions not stated): TOPMed below 0.00001; gnomAD exomes 0.00001.
gnomAD v4.1: 5 of 1,614,154 alleles (0.00031%); highest among the groups gnomAD compares: African/African-American, 0.0013%; no homozygotes.

Submission:

Labcorp Genetics (formerly Invitae), Labcorp
Classification: Uncertain significance for Bardet-Biedl syndrome. Last evaluated: 2021-08-14. Review status: criteria provided, single submitter. Criteria: Invitae Variant Classification Sherloc (09022015). Collection method: clinical testing. Allele origin: germline.
Comment: This sequence change replaces lysine with glutamic acid at codon 449 of the BBS2 protein (p.Lys449Glu). The lysine residue is highly conserved and there is a small physicochemical difference between lysine and glutamic acid. This variant is not present in population databases (ExAC no frequency). This variant has not been reported in the literature in individuals affected with BBS2-related conditions. Algorithms developed to predict the effect of missense changes on protein structure and function (SIFT, PolyPhen-2, Align-GVGD) all suggest that this variant is likely to be disruptive. In summary, the available evidence is currently insufficient to determine the role of this variant in disease. Therefore, it has been classified as a Variant of Uncertain Significance.

NM_031885.5(BBS2):c.1345A>G (p.Lys449Glu)

Gene: BBS2 (Bardet-Biedl syndrome 2; minus strand). Cytogenetic location: 16q13.
Variant type: single nucleotide variant.
Coding change: c.1345A>G on transcript NM_031885.5 (MANE Select); coding-DNA position 1345, A replaced by G.
Protein change: p.Lys449Glu; replaces lysine 449 with glutamic acid.
Molecular consequence: missense variant. On other transcripts: non-coding transcript variant (2).
Genome position (GRCh38, 1-based): chr16:56,500,906, T>C on the plus strand (A>G on the coding strand, the complement: BBS2 is on the minus strand). VCF-style: chr16-56500906-T-C. GRCh37 (hg19) VCF-style: chr16-56534818-T-C.
Other names: c.1345A>G, p.Lys449Glu (NM_001377456.1); short protein forms K449E.
Identifiers: ClinVar variation 1419653 (VCV001419653.5), dbSNP rs1964251202, ClinGen allele CA395979428.